The following is an entry in ClinVar:

NM_139276.3(STAT3):c.78C>T (p.Phe26=)

Gene: STAT3 (signal transducer and activator of transcription 3; minus strand). Cytogenetic location: 17q21.2.
Variant type: single nucleotide variant.
Coding change: c.78C>T on transcript NM_139276.3 (MANE Select); coding-DNA position 78, C replaced by T.
Protein change: p.Phe26=; no amino-acid change (phenylalanine 26 retained).
Molecular consequence: synonymous variant.
Genome position (GRCh38, 1-based): chr17:42,348,439, G>A on the plus strand (C>T on the coding strand, the complement: STAT3 is on the minus strand). VCF-style: chr17-42348439-G-A. GRCh37 (hg19) VCF-style: chr17-40500457-G-A.
Other names: c.78C>T, p.Phe26= (NM_001369512.1, NM_001369513.1, NM_001369514.1 and 17 more transcripts).
Identifiers: ClinVar variation 3026754 (VCV003026754.22), dbSNP rs2509544348, ClinGen allele CA500062912.

ClinVar aggregate classification (germline): Likely benign (1 of 4 stars; one submission).

Allele frequency attached by ClinVar (database versions not stated): gnomAD exomes below 0.00001.
gnomAD v4.1: 1 of 1,614,136 alleles (0.000062%); highest among the groups gnomAD compares: Non-Finnish European, 0.000085%; no homozygotes.

Submission:

CeGaT Center for Human Genetics Tuebingen
Classification: Likely benign. Last evaluated: 2024-01-01. Review status: criteria provided, single submitter. Criteria: CeGaT Center For Human Genetics Tuebingen Variant Classification Criteria Version 2. Collection method: clinical testing. Allele origin: germline. Affected: yes. Observed: 1 variant allele.
Comment: STAT3: PM2:Supporting, BP4, BP7